The following is an entry in ClinVar:

ClinVar aggregate classification (germline): Benign. Review status: criteria provided, multiple submitters, no conflicts (2 of 4 stars). 5 submissions from 5 submitters: Benign (3). 2 of the submissions do not count toward it. Last evaluated 2026-01-27.

Conditions:
Mucopolysaccharidosis, MPS-III-C (MPS3C). Also called: MUCOPOLYSACCHARIDOSIS, TYPE IIIC; mucopolysaccharidosis type 3C; SANFILIPPO SYNDROME C; MPS III C; MPS IIIC (Sanfilippo Syndrome Type C); Mucopolysaccharidosis type IIIC (Sanfilippo C). Identifiers: Orphanet 581, Orphanet 79271, MedGen C0086649, MONDO:0009657, OMIM 252930.
Retinal dystrophy. Also called: Inherited retinal dystrophy. Identifiers: Orphanet 71862, MedGen C0854723, MeSH D058499, MONDO:0019118, HP:0000556.
Retinitis pigmentosa 73 (RP73). Identifiers: Orphanet 791, MedGen C4225287, MONDO:0014687, OMIM 616544.
HGSNAT-related disorder. Also called: HGSNAT-related condition.

Allele frequency attached by ClinVar (database versions not stated): 1000 Genomes Project 30x 0.00500; ExAC 0.00406; TOPMed 0.00013; gnomAD 0.00077 and 0.00003; gnomAD exomes 0.00260; 1000 Genomes Project 0.00499.
gnomAD v4.1: 1,966 of 1,610,162 alleles (0.12%); highest among the groups gnomAD compares: South Asian, 2%; 47 homozygotes.

Submissions (5):

Labcorp Genetics (formerly Invitae), Labcorp
Classification: Benign for Retinitis pigmentosa 73; Mucopolysaccharidosis, MPS-III-C. Last evaluated: 2026-01-27. Review status: criteria provided, single submitter. Criteria: Invitae Variant Classification Sherloc (09022015). Collection method: clinical testing. Allele origin: germline.

Dept Of Ophthalmology, Nagoya University
Classification: Benign for Retinal dystrophy. Last evaluated: 2023-10-01. Review status: criteria provided, single submitter. Criteria: Submitter's publication. Collection method: research. Allele origin: germline. Affected: yes.

Illumina Laboratory Services, Illumina
Classification: Benign for Mucopolysaccharidosis, MPS-III-C. Last evaluated: 2018-01-13. Review status: criteria provided, single submitter. Criteria: ICSL Variant Classification Criteria 13 December 2019. Collection method: clinical testing. Allele origin: germline.
Comment: This variant was observed in the ICSL laboratory as part of a predisposition screen in an ostensibly healthy population. It had not been previously curated by ICSL or reported in the Human Gene Mutation Database (HGMD: prior to June 1st, 2018), and was therefore a candidate for classification through an automated scoring system. Utilizing variant allele frequency, disease prevalence and penetrance estimates, and inheritance mode, an automated score was calculated to assess if this variant is too frequent to cause the disease. Based on the score and internal cut-off values, a variant classified as benign is not then subjected to further curation. The score for this variant resulted in a classification of benign for this disease.

PreventionGenetics, part of Exact Sciences
Classification: Likely benign for HGSNAT-related condition. Last evaluated: 2020-01-21. Review status: no assertion criteria provided. Collection method: clinical testing. Allele origin: germline. Not counted in ClinVar's aggregate classification.
Comment: This variant is classified as likely benign based on ACMG/AMP sequence variant interpretation guidelines (Richards et al. 2015 PMID: 25741868, with internal and published modifications).

Natera, Inc.
Classification: Benign for Mucopolysaccharidosis type IIIC. Last evaluated: 2020-01-04. Review status: no assertion criteria provided. Collection method: clinical testing. Allele origin: germline. Not counted in ClinVar's aggregate classification.

NM_152419.3(HGSNAT):c.689C>T (p.Thr230Met)

Gene: HGSNAT (heparan-alpha-glucosaminide N-acetyltransferase; plus strand). Cytogenetic location: 8p11.21.
Variant type: single nucleotide variant.
Coding change: c.689C>T on transcript NM_152419.3 (MANE Select); coding-DNA position 689, C replaced by T.
Protein change: p.Thr230Met; replaces threonine 230 with methionine.
Molecular consequence: missense variant. On other transcripts: 5 prime UTR variant (1).
Genome position (GRCh38, 1-based): chr8:43,170,640, C>T. VCF-style: chr8-43170640-C-T. GRCh37 (hg19) VCF-style: chr8-43025783-C-T.
Other names: c.689C>T, p.Thr230Met (NM_001363227.2, NM_001363228.2); c.-145C>T (NM_001363229.2); short protein forms T230M.
Identifiers: ClinVar variation 785726 (VCV000785726.17), dbSNP rs200416815, ClinGen allele CA4736587.
Genomic context (GRCh38, chr8:43,170,640, plus strand): 5'-TGAAGGAGCTGGGATCTCCCAGCAGGACAGACCCTCTCGATGGTGATGTTCAGCCAGCAA[C>T]GTGGCGTCTATCTGCCCTGCCGCCCCGCCTCCGCAGCGTGGACACCTTCAGGGGGTATGT-3'
Protein context (NP_689632.2, residues 220-240): DPLDGDVQPA[Thr230Met]WRLSALPPRL